The following is an entry in ClinVar:

ClinVar aggregate classification (germline): Likely benign. Review status: criteria provided, multiple submitters, no conflicts (2 of 4 stars). 3 submissions from 3 submitters: Likely benign (3). Last evaluated 2024-02-24.

Allele frequency attached by ClinVar (database versions not stated): gnomAD exomes 0.00003 and 0.00004; TOPMed 0.00003; ExAC 0.00004; gnomAD 0.00005.
gnomAD v4.1: 41 of 1,442,544 alleles (0.0028%); highest among the groups gnomAD compares: Admixed American, 0.0074%; no homozygotes.

Submissions (3):

Labcorp Genetics (formerly Invitae), Labcorp
Classification: Likely benign. Last evaluated: 2024-02-24. Review status: criteria provided, single submitter. Criteria: Invitae Variant Classification Sherloc (09022015). Collection method: clinical testing. Allele origin: germline.

Women's Health and Genetics/Laboratory Corporation of America, LabCorp
Classification: Likely benign. Last evaluated: 2023-10-13. Review status: criteria provided, single submitter. Criteria: LabCorp Variant Classification Summary - May 2015. Collection method: clinical testing. Allele origin: germline.

CeGaT Center for Human Genetics Tuebingen
Classification: Likely benign. Last evaluated: 2022-04-01. Review status: criteria provided, single submitter. Criteria: CeGaT Center For Human Genetics Tuebingen Variant Classification Criteria Version 2. Collection method: clinical testing. Allele origin: germline. Affected: yes. Observed: 1 variant allele.
Comment: CENPF: BP4, BP7

NM_016343.4(CENPF):c.486C>T (p.Ser162=)

Gene: CENPF (centromere protein F; plus strand). Cytogenetic location: 1q41.
Variant type: single nucleotide variant.
Coding change: c.486C>T on transcript NM_016343.4 (MANE Select); coding-DNA position 486, C replaced by T.
Protein change: p.Ser162=; no amino-acid change (serine 162 retained).
Molecular consequence: synonymous variant.
Genome position (GRCh38, 1-based): chr1:214,619,133, C>T. VCF-style: chr1-214619133-C-T. GRCh37 (hg19) VCF-style: chr1-214792476-C-T.
Identifiers: ClinVar variation 1642614 (VCV001642614.31), dbSNP rs755220921, ClinGen allele CA1389770.
Genomic context (GRCh38, chr1:214,619,133, plus strand): 5'-ATTCCTTCATGGAATCAATGACTGAAAGAAAACTGTATTTGATTGTCTGTTTCTAGGTTC[C>T]AAGTATGAAGATCTAAAAGAAAAATATAATAAAGAGGTTGAAGAACGAAAAAGATTAGAG-3'
Protein context (NP_057427.3, residues 152-172): PLTPSQYYSG[Ser162=]KYEDLKEKYN